The following is an entry in ClinVar:

NM_022436.3(ABCG5):c.502-7C>G

Genes: ABCG5 (ATP binding cassette subfamily G member 5; minus strand), DYNC2LI1 (dynein cytoplasmic 2 light intermediate chain 1; plus strand). Cytogenetic location: 2p21.
Variant type: single nucleotide variant.
Coding change: c.502-7C>G on transcript NM_022436.3 (MANE Select); 7 bases into the intron before coding-DNA position 502, C replaced by G.
Molecular consequence: intron variant. On other transcripts: 3 prime UTR variant (2).
Genome position (GRCh38, 1-based): chr2:43,828,122, G>C on the plus strand (C>G on the coding strand, the complement: ABCG5 is on the minus strand). VCF-style: chr2-43828122-G-C. GRCh37 (hg19) VCF-style: chr2-44055261-G-C.
Other names: c.*752G>C (NM_001348912.2, NM_001348913.2).
Identifiers: ClinVar variation 3233497 (VCV003233497.1), dbSNP rs1667734804, ClinGen allele CA2825001125.

ClinVar aggregate classification (germline): Uncertain significance (1 of 4 stars; one submission).

Submission:

Women's Health and Genetics/Laboratory Corporation of America, LabCorp
Classification: Uncertain significance. Last evaluated: 2024-03-12. Review status: criteria provided, single submitter. Criteria: LabCorp Variant Classification Summary - May 2015. Collection method: clinical testing. Allele origin: germline.
Comment: Variant summary: ABCG5 c.502-7C>G alters a non-conserved nucleotide located close to a canonical splice site and therefore could affect mRNA splicing, leading to a significantly altered protein sequence. Consensus agreement among computation tools predict no significant impact on normal splicing. However, these predictions have yet to be confirmed by functional studies. The variant was absent in 250830 control chromosomes. The available data on variant occurrences in the general population are insufficient to allow any conclusion about variant significance. To our knowledge, no occurrence of c.502-7C>G in individuals affected with Early Onset Coronary Artery Disease and no experimental evidence demonstrating its impact on protein function have been reported. No submitters have cited clinical-significance assessments for this variant to ClinVar. Based on the evidence outlined above, the variant was classified as uncertain significance.